The following is an entry in ClinVar:

ClinVar aggregate classification (germline): Uncertain significance. Review status: criteria provided, multiple submitters, no conflicts (2 of 4 stars). 2 submissions from 2 submitters: Uncertain significance (2). Last evaluated 2025-03-20.

Conditions:
Cardiovascular phenotype. Identifiers: MedGen CN230736.

Allele frequency attached by ClinVar (database versions not stated): TOPMed 0.00007; gnomAD 0.00004.
gnomAD v4.1: 8 of 1,445,552 alleles (0.00055%); highest among the groups gnomAD compares: African/African-American, 0.012%; no homozygotes.

Submissions (2):

Labcorp Genetics (formerly Invitae), Labcorp
Classification: Uncertain significance. Last evaluated: 2025-03-20. Review status: criteria provided, single submitter. Criteria: Invitae Variant Classification Sherloc (09022015). Collection method: clinical testing. Allele origin: germline.
Comment: This sequence change replaces glycine, which is neutral and non-polar, with cysteine, which is neutral and slightly polar, at codon 216 of the ALPK3 protein (p.Gly216Cys). This variant is present in population databases (no rsID available, gnomAD 0.01%). This variant has not been reported in the literature in individuals affected with ALPK3-related conditions. ClinVar contains an entry for this variant (Variation ID: 1423477). An algorithm developed to predict the effect of missense changes on protein structure and function (PolyPhen-2) suggests that this variant is likely to be disruptive. In summary, the available evidence is currently insufficient to determine the role of this variant in disease. Therefore, it has been classified as a Variant of Uncertain Significance.

Ambry Genetics
Classification: Uncertain significance for Cardiovascular phenotype. Last evaluated: 2024-04-26. Review status: criteria provided, single submitter. Criteria: Ambry Variant Classification Scheme 2023. Collection method: clinical testing. Allele origin: germline.
Comment: The p.G216C variant (also known as c.646G>T), located in coding exon 1 of the ALPK3 gene, results from a G to T substitution at nucleotide position 646. The glycine at codon 216 is replaced by cysteine, an amino acid with highly dissimilar properties. This amino acid position is well conserved in available vertebrate species. In addition, this alteration is predicted to be tolerated by in silico analysis. Since supporting evidence is limited at this time, the clinical significance of this alteration remains unclear.

NM_020778.5(ALPK3):c.40G>T (p.Gly14Cys)

Gene: ALPK3 (alpha kinase 3; plus strand). Cytogenetic location: 15q25.3.
Variant type: single nucleotide variant.
Coding change: c.40G>T on transcript NM_020778.5 (MANE Select); coding-DNA position 40, G replaced by T.
Protein change: p.Gly14Cys; replaces glycine 14 with cysteine.
Molecular consequence: missense variant.
Genome position (GRCh38, 1-based): chr15:84,817,492, G>T. VCF-style: chr15-84817492-G-T. GRCh37 (hg19) VCF-style: chr15-85360723-G-T.
Other names: short protein forms G14C.
Identifiers: ClinVar variation 1423477 (VCV001423477.9), dbSNP rs1053607919, ClinGen allele CA273651140.
Genomic context (GRCh38, chr15:84,817,492, plus strand): 5'-GCGGTCGGGGAGGGCGGTGCCATGGGGTCGCGGAGGGCCCCCAGCCGGGGCTGGGGCGCG[G>T]GTGGGCGGTCGGGGGCGGGGGGCGACGGTGAGGACGACGGCCCCGTGTGGATCCCCAGCC-3'
Protein context (NP_065829.4, residues 4-24): RRAPSRGWGA[Gly14Cys]GRSGAGGDGE